The following is an entry in ClinVar:

ClinVar aggregate classification (germline): Uncertain significance (1 of 4 stars; one submission).

Conditions:
Global developmental delay, absent or hypoplastic corpus callosum, and dysmorphic facies (GDACCF). Identifiers: MedGen C4310644, MONDO:0014994, OMIM 617260.

Submission:

Laboratorio de Genetica e Diagnostico Molecular, Hospital Israelita Albert Einstein
Classification: Uncertain significance for Global developmental delay, absent or hypoplastic corpus callosum, and dysmorphic facies. Last evaluated: 2024-11-11. Review status: criteria provided, single submitter. Criteria: ACMG Guidelines, 2015. Collection method: clinical testing. Allele origin: germline. Affected: yes.
Comment: ACMG classification criteria: PM2 supporting, PP2 supporting, BP4 supporting

NM_021964.3(ZNF148):c.89G>C (p.Gly30Ala)

Gene: ZNF148 (zinc finger protein 148; minus strand). Cytogenetic location: 3q21.2.
Variant type: single nucleotide variant.
Coding change: c.89G>C on transcript NM_021964.3 (MANE Select); coding-DNA position 89, G replaced by C.
Protein change: p.Gly30Ala; replaces glycine 30 with alanine.
Molecular consequence: missense variant.
Genome position (GRCh38, 1-based): chr3:125,313,552, C>G on the plus strand (G>C on the coding strand, the complement: ZNF148 is on the minus strand). VCF-style: chr3-125313552-C-G. GRCh37 (hg19) VCF-style: chr3-125032396-C-G.
Other names: c.89G>C, p.Gly30Ala (NM_001348428.2, NM_001348429.2, NM_001348430.2 and 9 more transcripts); short protein forms G30A.
Identifiers: ClinVar variation 4076348 (VCV004076348.1).
Genomic context (GRCh38, chr3:125,313,552, plus strand): 5'-CGATCTTGAAGTACTGAATCCTGTAGCTCTCCAGACACAGTAGACTGGCCAGACACTCCA[C>G]CCATTACAACCATTGTCCTGGAAGACTGCATTTCGTCTATGCCGCCACATTTAAGAAACA-3'
Protein context (NP_068799.2, residues 20-40): MQSSRTMVVM[Gly30Ala]GVSGQSTVSG